The following is an entry in ClinVar:

ClinVar aggregate classification (germline): Uncertain significance. Review status: criteria provided, multiple submitters, no conflicts (2 of 4 stars). 3 submissions from 3 submitters: Uncertain significance (3). Last evaluated 2026-03-21.

Conditions:
Cardiovascular phenotype. Identifiers: MedGen CN230736.
Cardiomyopathy (CMYO). Also called: Cardiomyopathies. Identifiers: Orphanet 167848, MedGen C0878544, MONDO:0004994, HP:0001638. Inheritance: Various modes of inheritance.
Arrhythmogenic right ventricular dysplasia 10. Also called: Arrhythmogenic right ventricular dysplasia/cardiomyopathy, type 10; Arrhythmogenic Right Ventricular Dysplasia/Cardiomyopathy10; ARRHYTHMOGENIC RIGHT VENTRICULAR DYSPLASIA, FAMILIAL, 10. Identifiers: MedGen C1857777, MONDO:0012434, OMIM 610193.

Allele frequency attached by ClinVar (database versions not stated): gnomAD exomes below 0.00001.
gnomAD v4.1: 1 of 1,613,846 alleles (0.000062%); highest among the groups gnomAD compares: Admixed American, 0.0017%; no homozygotes.

Submissions (3):

Ambry Genetics
Classification: Uncertain significance for Cardiovascular phenotype. Last evaluated: 2026-03-21. Review status: criteria provided, single submitter. Criteria: Ambry Variant Classification Scheme 2023. Collection method: clinical testing. Allele origin: germline.
Comment: The p.S197C variant (also known as c.590C>G), located in coding exon 6 of the DSG2 gene, results from a C to G substitution at nucleotide position 590. The serine at codon 197 is replaced by cysteine, an amino acid with dissimilar properties. This amino acid position is conserved. In addition, this alteration is predicted to be tolerated by in silico analysis. Based on the available evidence, the clinical significance of this variant remains unclear.

Color Diagnostics, LLC DBA Color Health
Classification: Uncertain significance for Cardiomyopathy. Last evaluated: 2025-05-13. Review status: criteria provided, single submitter. Criteria: ACMG Guidelines, 2015. Collection method: clinical testing. Allele origin: germline.
Comment: This missense variant replaces serine with cysteine at codon 197 of the DSG2 protein. Computational prediction suggests that this variant may not impact protein structure and function. To our knowledge, functional studies have not been reported for this variant. This variant has not been reported in individuals affected with DSG2-related disorders in the literature. This variant has been identified in 1/249396 chromosomes in the general population by the Genome Aggregation Database (gnomAD). The available evidence is insufficient to determine the role of this variant in disease conclusively. Therefore, this variant is classified as a Variant of Uncertain Significance.

Labcorp Genetics (formerly Invitae), Labcorp
Classification: Uncertain significance for Arrhythmogenic right ventricular dysplasia 10. Last evaluated: 2023-06-27. Review status: criteria provided, single submitter. Criteria: Invitae Variant Classification Sherloc (09022015). Collection method: clinical testing. Allele origin: germline.
Comment: This variant has not been reported in the literature in individuals affected with DSG2-related conditions. Advanced modeling of protein sequence and biophysical properties (such as structural, functional, and spatial information, amino acid conservation, physicochemical variation, residue mobility, and thermodynamic stability) performed at Invitae indicates that this missense variant is not expected to disrupt DSG2 protein function. In summary, the available evidence is currently insufficient to determine the role of this variant in disease. Therefore, it has been classified as a Variant of Uncertain Significance. This variant is present in population databases (no rsID available, gnomAD 0.003%). This sequence change replaces serine, which is neutral and polar, with cysteine, which is neutral and slightly polar, at codon 197 of the DSG2 protein (p.Ser197Cys).

NM_001943.5(DSG2):c.590C>G (p.Ser197Cys)

Gene: DSG2 (desmoglein 2; plus strand). Cytogenetic location: 18q12.1.
Variant type: single nucleotide variant.
Coding change: c.590C>G on transcript NM_001943.5 (MANE Select); coding-DNA position 590, C replaced by G.
Protein change: p.Ser197Cys; replaces serine 197 with cysteine.
Molecular consequence: missense variant.
Genome position (GRCh38, 1-based): chr18:31,522,149, C>G. VCF-style: chr18-31522149-C-G. GRCh37 (hg19) VCF-style: chr18-29102112-C-G.
Other names: short protein forms S197C.
Identifiers: ClinVar variation 2765257 (VCV002765257.5), dbSNP rs1214800084, ClinGen allele CA402133606.